The following is an entry in ClinVar:

ClinVar aggregate classification (germline): Likely benign (1 of 4 stars; one submission).

gnomAD v4.1: 8,418 of 1,590,646 alleles (0.53%); highest among the groups gnomAD compares: Middle Eastern, 2.4%; 38 homozygotes.

Submission:

CeGaT Center for Human Genetics Tuebingen
Classification: Likely benign. Last evaluated: 2026-03-01. Review status: criteria provided, single submitter. Criteria: CeGaT Center For Human Genetics Tuebingen Variant Classification Criteria Version 2. Collection method: clinical testing. Allele origin: germline. Affected: yes. Observed: 1 variant allele.
Comment: YLPM1: BP4, BS2

NM_019589.3(YLPM1):c.4615G>C (p.Val1539Leu)

Gene: YLPM1 (YLP motif containing 1; plus strand). Cytogenetic location: 14q24.3.
Variant type: single nucleotide variant.
Coding change: c.4615G>C on transcript NM_019589.3 (MANE Select); coding-DNA position 4615, G replaced by C.
Protein change: p.Val1539Leu; replaces valine 1539 with leucine.
Molecular consequence: missense variant.
Genome position (GRCh38, 1-based): chr14:74,809,473, G>C. VCF-style: chr14-74809473-G-C. GRCh37 (hg19) VCF-style: chr14-75276176-G-C.
Other names: c.2497G>C, p.Val833Leu (NM_001411052.1); short protein forms V1539L, V833L.
Identifiers: ClinVar variation 4820733 (VCV004820733.4).